The following is an entry in ClinVar:

NM_017534.6(MYH2):c.2477C>A (p.Ser826Tyr)

Genes: MYH2 (myosin heavy chain 2; minus strand), MYHAS (myosin heavy chain gene cluster antisense RNA; plus strand). Cytogenetic location: 17p13.1.
Variant type: single nucleotide variant.
Coding change: c.2477C>A on transcript NM_017534.6 (MANE Select); coding-DNA position 2477, C replaced by A.
Protein change: p.Ser826Tyr; replaces serine 826 with tyrosine.
Molecular consequence: missense variant.
Genome position (GRCh38, 1-based): chr17:10,531,853, G>T on the plus strand (C>A on the coding strand, the complement: MYH2 is on the minus strand). VCF-style: chr17-10531853-G-T. GRCh37 (hg19) VCF-style: chr17-10435170-G-T.
Other names: c.2477C>A, p.Ser826Tyr (NM_001100112.2); short protein forms S826Y.
Identifiers: ClinVar variation 3705737 (VCV003705737.3).

ClinVar aggregate classification (germline): Uncertain significance. Review status: criteria provided, multiple submitters, no conflicts (2 of 4 stars). 2 submissions from 2 submitters: Uncertain significance (2). Last evaluated 2025-01-30.

Conditions:
Myopathy, proximal, and ophthalmoplegia (CMYO6). Also called: INCLUSION BODY MYOPATHY 3, AUTOSOMAL DOMINANT; MYOPATHY WITH CONGENITAL JOINT CONTRACTURES, OPHTHALMOPLEGIA, AND RIMMED VACUOLES; CONGENITAL MYOPATHY 6 WITH OPHTHALMOPLEGIA. Identifiers: Orphanet 363677, Orphanet 79091, MedGen C1854106, MONDO:0011577, OMIM 605637.

gnomAD v4.1: 1 of 1,613,976 alleles (0.000062%); highest among the groups gnomAD compares: Non-Finnish European, 0.000085%; no homozygotes.

Submissions (2):

Labcorp Genetics (formerly Invitae), Labcorp
Classification: Uncertain significance for Myopathy, proximal, and ophthalmoplegia. Last evaluated: 2025-01-30. Review status: criteria provided, single submitter. Criteria: Invitae Variant Classification Sherloc (09022015). Collection method: clinical testing. Allele origin: germline.
Comment: This sequence change replaces serine, which is neutral and polar, with tyrosine, which is neutral and polar, at codon 826 of the MYH2 protein (p.Ser826Tyr). This variant is not present in population databases (gnomAD no frequency). This variant has not been reported in the literature in individuals affected with MYH2-related conditions. Invitae Evidence Modeling of protein sequence and biophysical properties (such as structural, functional, and spatial information, amino acid conservation, physicochemical variation, residue mobility, and thermodynamic stability) indicates that this missense variant is expected to disrupt MYH2 protein function with a positive predictive value of 80%. In summary, the available evidence is currently insufficient to determine the role of this variant in disease. Therefore, it has been classified as a Variant of Uncertain Significance.

Blueprint Genetics
Classification: Uncertain significance. Last evaluated: 2024-03-01. Review status: criteria provided, single submitter. Criteria: ACMG Guidelines, 2015. Collection method: clinical testing. Allele origin: germline.